The following is an entry in ClinVar:

NM_016343.4(CENPF):c.3164G>C (p.Cys1055Ser)

Gene: CENPF (centromere protein F; plus strand). Cytogenetic location: 1q41.
Variant type: single nucleotide variant.
Coding change: c.3164G>C on transcript NM_016343.4 (MANE Select); coding-DNA position 3164, G replaced by C.
Protein change: p.Cys1055Ser; replaces cysteine 1055 with serine.
Molecular consequence: missense variant.
Genome position (GRCh38, 1-based): chr1:214,641,502, G>C. VCF-style: chr1-214641502-G-C. GRCh37 (hg19) VCF-style: chr1-214814845-G-C.
Other names: short protein forms C1055S.
Identifiers: ClinVar variation 3573629 (VCV003573629.1).

ClinVar aggregate classification (germline): Uncertain significance (1 of 4 stars; one submission).

gnomAD v4.1: 7 of 1,520,646 alleles (0.00046%); highest among the groups gnomAD compares: East Asian, 0.016%; no homozygotes.

Submission:

GeneDx
Classification: Uncertain significance. Last evaluated: 2024-07-15. Review status: criteria provided, single submitter. Criteria: GeneDx Variant Classification Process June 2021. Collection method: clinical testing. Allele origin: germline. Affected: yes.
Comment: In silico analysis supports that this missense variant has a deleterious effect on protein structure/function; Has not been previously published as pathogenic or benign to our knowledge